The following is an entry in ClinVar:

ClinVar aggregate classification (germline): Uncertain significance (1 of 4 stars; one submission).

Conditions:
Adenylosuccinate lyase deficiency (ADSLD). Also called: ADSL DEFICIENCY. Identifiers: Orphanet 46, MedGen C0268126, MONDO:0007068, OMIM 103050.

Submission:

Labcorp Genetics (formerly Invitae), Labcorp
Classification: Uncertain significance for Adenylosuccinate lyase deficiency. Last evaluated: 2023-10-09. Review status: criteria provided, single submitter. Criteria: Invitae Variant Classification Sherloc (09022015). Collection method: clinical testing. Allele origin: germline.
Comment: This sequence change affects codon 456 of the ADSL mRNA. It is a 'silent' change, meaning that it does not change the encoded amino acid sequence of the ADSL protein. This variant also falls at the last nucleotide of exon 12, which is part of the consensus splice site for this exon. This variant is not present in population databases (gnomAD no frequency). This variant has not been reported in the literature in individuals affected with ADSL-related conditions. Variants that disrupt the consensus splice site are a relatively common cause of aberrant splicing (PMID: 17576681, 9536098). Algorithms developed to predict the effect of sequence changes on RNA splicing suggest that this variant is not likely to affect RNA splicing. In summary, the available evidence is currently insufficient to determine the role of this variant in disease. Therefore, it has been classified as a Variant of Uncertain Significance.

Literature cited by the submitters: PubMed 17576681; PubMed 9536098.

NM_000026.4(ADSL):c.1368G>A (p.Gln456=)

Gene: ADSL (adenylosuccinate lyase; plus strand). Cytogenetic location: 22q13.1.
Variant type: single nucleotide variant.
Coding change: c.1368G>A on transcript NM_000026.4 (MANE Select); coding-DNA position 1368, G replaced by A.
Protein change: p.Gln456=; no amino-acid change (glutamine 456 retained).
Molecular consequence: synonymous variant. On other transcripts: non-coding transcript variant (1), intron variant (2).
Genome position (GRCh38, 1-based): chr22:40,365,056, G>A. VCF-style: chr22-40365056-G-A. GRCh37 (hg19) VCF-style: chr22-40761060-G-A.
Other names: c.1176G>A, p.Gln392= (NM_001317923.2); c.1368G>A, p.Gln456= (NM_001363840.3, NM_001410812.1); c.1323G>A, p.Gln441= (NM_001410814.1); c.1191+691G>A (NM_001123378.3, NM_001410816.1).
Identifiers: ClinVar variation 2867340 (VCV002867340.1), dbSNP rs2044949369, ClinGen allele CA514615681.